The following is an entry in ClinVar:

ClinVar aggregate classification (germline): Uncertain significance (1 of 4 stars; one submission).

Submission:

Labcorp Genetics (formerly Invitae), Labcorp
Classification: Uncertain significance. Last evaluated: 2022-07-15. Review status: criteria provided, single submitter. Criteria: Invitae Variant Classification Sherloc (09022015). Collection method: clinical testing. Allele origin: germline.
Comment: This sequence change replaces methionine, which is neutral and non-polar, with leucine, which is neutral and non-polar, at codon 193 of the RIPK1 protein (p.Met193Leu). This variant is not present in population databases (gnomAD no frequency). This variant has not been reported in the literature in individuals affected with RIPK1-related conditions. Algorithms developed to predict the effect of missense changes on protein structure and function are either unavailable or do not agree on the potential impact of this missense change (SIFT: "Not Available"; PolyPhen-2: "Benign"; Align-GVGD: "Not Available"). In summary, the available evidence is currently insufficient to determine the role of this variant in disease. Therefore, it has been classified as a Variant of Uncertain Significance.

NM_001354930.2(RIPK1):c.577A>T (p.Met193Leu)

Gene: RIPK1 (receptor interacting serine/threonine kinase 1; plus strand). Cytogenetic location: 6p25.2.
Variant type: single nucleotide variant.
Coding change: c.577A>T on transcript NM_001354930.2 (MANE Select); coding-DNA position 577, A replaced by T.
Protein change: p.Met193Leu; replaces methionine 193 with leucine.
Molecular consequence: missense variant.
Genome position (GRCh38, 1-based): chr6:3,083,202, A>T. VCF-style: chr6-3083202-A-T. GRCh37 (hg19) VCF-style: chr6-3083436-A-T.
Other names: c.88A>T, p.Met30Leu (NM_001317061.3, NM_001354932.2, NM_001354933.2 and 1 more transcripts); c.439A>T, p.Met147Leu (NM_001354931.2); c.577A>T, p.Met193Leu (NM_003804.6); short protein forms M147L, M193L, M30L.
Identifiers: ClinVar variation 2079188 (VCV002079188.4), dbSNP rs2533199643, ClinGen allele CA362579217.